The following is an entry in ClinVar:

ClinVar aggregate classification (germline): Conflicting classifications of pathogenicity. Review status: criteria provided, conflicting classifications (1 of 4 stars). 4 submissions from 4 submitters: Pathogenic (1); Likely pathogenic (1); Uncertain significance (2). Last evaluated 2024-08-16.

Conditions:
Hereditary cancer-predisposing syndrome. Also called: Tumor predisposition; Hereditary neoplastic syndrome; Hereditary Cancer Syndrome; Neoplastic Syndromes, Hereditary. Identifiers: Orphanet 140162, MedGen C0027672, MeSH D009386, MONDO:0015356.

Allele frequency attached by ClinVar (database versions not stated): TOPMed below 0.00001; gnomAD exomes below 0.00001.

Submissions (5):

GeneDx
Classification: Likely pathogenic. Last evaluated: 2024-08-16. Review status: criteria provided, single submitter. Criteria: GeneDx Variant Classification Process June 2021. Collection method: clinical testing. Allele origin: germline. Affected: yes.
Comment: Not observed at significant frequency in large population cohorts (gnomAD); In silico analysis supports that this missense variant has a deleterious effect on protein structure/function; This variant is associated with the following publications: (PMID: 23612258)

Labcorp Genetics (formerly Invitae), Labcorp
Classification: Pathogenic. Last evaluated: 2024-08-16. Review status: criteria provided, single submitter. Criteria: Invitae Variant Classification Sherloc (09022015). Collection method: clinical testing. Allele origin: germline.
Comment: This sequence change replaces arginine, which is basic and polar, with isoleucine, which is neutral and non-polar, at codon 261 of the FH protein (p.Arg261Ile). This variant is not present in population databases (gnomAD no frequency). This missense change has been observed in individual(s) with fumarate hydratase deficiency (PMID: 23612258). In at least one individual the data is consistent with being in trans (on the opposite chromosome) from a pathogenic variant. ClinVar contains an entry for this variant (Variation ID: 485572). Invitae Evidence Modeling of protein sequence and biophysical properties (such as structural, functional, and spatial information, amino acid conservation, physicochemical variation, residue mobility, and thermodynamic stability) indicates that this missense variant is expected to disrupt FH protein function with a positive predictive value of 95%. For these reasons, this variant has been classified as Pathogenic.

Ambry Genetics
Classification: Uncertain significance for Hereditary cancer-predisposing syndrome. Last evaluated: 2024-07-16. Review status: criteria provided, single submitter. Criteria: Ambry Variant Classification Scheme 2023. Collection method: clinical testing. Allele origin: germline.
Comment: The p.R261I variant (also known as c.782G>T), located in coding exon 6 of the FH gene, results from a G to T substitution at nucleotide position 782. The arginine at codon 261 is replaced by isoleucine, an amino acid with similar properties. This alteration has been identified with a second pathogenic variant in a patient suspected to be affected with fumarate hydratase deficiency (Ezgu F et al. Gene 2013 Jul;524(2):403-6). This amino acid position is highly conserved in available vertebrate species. In addition, this alteration is predicted to be deleterious by in silico analysis. Based on the majority of available evidence to date, this variant is expected to be causative of autosomal recessive fumarate hydratase deficiency when present along with a second likely pathogenic/pathogenic variant on the other allele; however, the significance for autosomal dominant HLRCC is unclear.

Sema4
Classification: Uncertain significance for Hereditary cancer-predisposing syndrome. Last evaluated: 2021-11-01. Review status: criteria provided, single submitter. Criteria: Sema4 Curation Guidelines. Collection method: curation. Allele origin: germline.
Comment: The FH c.782G>T (p.R261I) variant has been reported as compound heterozygous in at least one individual with fumaric aciduria (PMID: 23612258). This variant has not been observed in the Genome Aggregation Database (PMID: 32461654). This variant has been reported in ClinVar (Variation ID: 485572). In silico tools suggest the impact of the variant on protein function is deleterious, though these predictions have not been confirmed by functional studies. The evidence is insufficient to meet ACMG/AMP criteria for classifying the variant as benign or pathogenic. Thus, the clinical significance of this variant is currently uncertain.

Blake Wilde Laboratory, Roswell Park Comprehensive Cancer Center
No classification provided (evidence only). Condition: Hereditary leiomyomatosis and renal cell cancer. Review status: no classification provided. Collection method: in vitro. Allele origin: not applicable. Functional consequence: decreased enzyme activity. Not counted in ClinVar's aggregate classification.

Literature cited by the submitters: PubMed 23612258 (cited by Labcorp Genetics (formerly Invitae), Labcorp and Sema4).

NM_000143.4(FH):c.782G>T (p.Arg261Ile)

Gene: FH (fumarate hydratase; minus strand). Cytogenetic location: 1q43.
Variant type: single nucleotide variant.
Coding change: c.782G>T on transcript NM_000143.4 (MANE Select); coding-DNA position 782, G replaced by T.
Protein change: p.Arg261Ile; replaces arginine 261 with isoleucine.
Molecular consequence: missense variant.
Genome position (GRCh38, 1-based): chr1:241,506,125, C>A on the plus strand (G>T on the coding strand, the complement: FH is on the minus strand). VCF-style: chr1-241506125-C-A. GRCh37 (hg19) VCF-style: chr1-241669425-C-A.
Other names: short protein forms R261I.
Identifiers: ClinVar variation 485572 (VCV000485572.17), dbSNP rs61736558, ClinGen allele CA40328246.
Genomic context (GRCh38, chr1:241,506,125, plus strand): 5'-GTACCAACAGCAGTGCCTCCAGCTGCGAGCTCATAGATTCTTGGCATGGCAGCTTTTATT[C>A]TTGTCATTGCATATTTTACTTGTTGAACATAACCACTAAATTCCTGAAAAGAAAAGAAAA-3'
Protein context (NP_000134.2, residues 251-271): YVQQVKYAMT[Arg261Ile]IKAAMPRIYE